The following is an entry in ClinVar:

NM_000059.4(BRCA2):c.9096_9097insT (p.Thr3033fs)

Gene: BRCA2 (BRCA2 DNA repair associated; plus strand). Cytogenetic location: 13q13.1.
Variant type: Insertion.
Coding change: c.9096_9097insT on transcript NM_000059.4 (MANE Select); coding-DNA positions 9096 to 9097, T inserted.
Protein change: p.Thr3033fs; shifts the reading frame from threonine 3033.
Molecular consequence: frameshift variant.
Genome position: GRCh38 VCF-style: chr13-32379892-A-AT. GRCh37 (hg19) VCF-style: chr13-32954029-A-AT.
Other names: short protein forms T3033fs.
Identifiers: ClinVar variation 548421 (VCV000548421.1), dbSNP rs1555288503, ClinGen allele CA658823629.

ClinVar aggregate classification (germline): Pathogenic (3 of 4 stars; one submission).

Conditions:
Breast-ovarian cancer, familial, susceptibility to, 2 (BROVCA2). Also called: BRCA2 Hereditary Breast and Ovarian Cancer. Identifiers: Orphanet 145, MedGen C2675520, MONDO:0012933, OMIM 612555. Disease mechanism: loss of function.

Submission:

Evidence-based Network for the Interpretation of Germline Mutant Alleles (ENIGMA)
Classification: Pathogenic for Breast-ovarian cancer, familial, susceptibility to, 2. Last evaluated: 2017-12-15. Review status: reviewed by expert panel. Criteria: ENIGMA BRCA1/2 Classification Criteria (2017-06-29). Collection method: curation. Allele origin: germline. Study: ENIGMA.
Comment: Variant allele predicted to encode a truncated non-functional protein.